The following is an entry in ClinVar:

NM_001363711.2(DUOX2):c.3005+1G>T

Gene: DUOX2 (dual oxidase 2; minus strand). Cytogenetic location: 15q21.1.
Variant type: single nucleotide variant.
Coding change: c.3005+1G>T on transcript NM_001363711.2 (MANE Select); the canonical splice donor site of the intron after coding-DNA position 3005, G replaced by T.
Molecular consequence: splice donor variant.
Genome position (GRCh38, 1-based): chr15:45,100,754, C>A on the plus strand (G>T on the coding strand, the complement: DUOX2 is on the minus strand). VCF-style: chr15-45100754-C-A. GRCh37 (hg19) VCF-style: chr15-45392952-C-A.
Other names: c.3005+1G>T (NM_014080.5, NM_014080.4).
Identifiers: ClinVar variation 2175246 (VCV002175246.7), dbSNP rs1168089009, ClinGen allele CA392264311.

ClinVar aggregate classification (germline): Conflicting classifications of pathogenicity. Review status: criteria provided, conflicting classifications (1 of 4 stars). 3 submissions from 3 submitters: Likely pathogenic (2); Uncertain significance (1). Last evaluated 2025-04-12.

Conditions:
Thyroid dyshormonogenesis 6 (TDH6). Also called: HYPOTHYROIDISM, CONGENITAL, DUE TO DYSHORMONOGENESIS, 6; THYROID HORMONOGENESIS, GENETIC DEFECT IN, 6; Genetic transient congenital hypothyroidism. Identifiers: Orphanet 226316, Orphanet 95716, MedGen C1846632, MONDO:0011792, OMIM 607200.

Allele frequency attached by ClinVar (database versions not stated): gnomAD exomes below 0.00001; TOPMed below 0.00001.
gnomAD v4.1: 1 of 1,614,078 alleles (0.000062%); highest among the groups gnomAD compares: Non-Finnish European, 0.000085%; no homozygotes.

Submissions (3):

Dasa
Classification: Uncertain significance. Last evaluated: 2025-04-12. Review status: criteria provided, single submitter. Criteria: DASA Assertion Criteria. Collection method: clinical testing. Allele origin: germline.
Comment: NM_001363711.2(DUOX2):c.3005+1G>T affects a canonical splice site and is predicted to disrupt normal RNA splicing. This variant is rare in population databases. The currently available literature and clinical evidence are not sufficient to establish a definitive association between this variant and the reported condition. Therefore, this variant is classified as a variant of uncertain significance.

Fulgent Genetics
Classification: Likely pathogenic for Thyroid dyshormonogenesis 6. Last evaluated: 2024-03-27. Review status: criteria provided, single submitter. Criteria: ACMG Guidelines, 2015. Collection method: clinical testing. Allele origin: germline.

Labcorp Genetics (formerly Invitae), Labcorp
Classification: Likely pathogenic. Last evaluated: 2022-09-23. Review status: criteria provided, single submitter. Criteria: Invitae Variant Classification Sherloc (09022015). Collection method: clinical testing. Allele origin: germline.
Comment: This sequence change affects a donor splice site in intron 23 of the DUOX2 gene. It is expected to disrupt RNA splicing. Variants that disrupt the donor or acceptor splice site typically lead to a loss of protein function (PMID: 16199547), and loss-of-function variants in DUOX2 are known to be pathogenic (PMID: 12110737, 18765513, 21565790, 24423310, 24735383). In summary, the currently available evidence indicates that the variant is pathogenic, but additional data are needed to prove that conclusively. Therefore, this variant has been classified as Likely Pathogenic. Algorithms developed to predict the effect of sequence changes on RNA splicing suggest that this variant may disrupt the consensus splice site. This variant has not been reported in the literature in individuals affected with DUOX2-related conditions. This variant is not present in population databases (gnomAD no frequency).

Literature cited by the submitters: PubMed 16199547 (cited by Labcorp Genetics (formerly Invitae), Labcorp); PubMed 12110737 (cited by Labcorp Genetics (formerly Invitae), Labcorp); PubMed 18765513 (cited by Labcorp Genetics (formerly Invitae), Labcorp); PubMed 21565790 (cited by Labcorp Genetics (formerly Invitae), Labcorp); PubMed 24423310 (cited by Labcorp Genetics (formerly Invitae), Labcorp); PubMed 24735383 (cited by Labcorp Genetics (formerly Invitae), Labcorp).